The following is an entry in ClinVar:

ClinVar aggregate classification (germline): Uncertain significance. Review status: criteria provided, multiple submitters, no conflicts (2 of 4 stars). 2 submissions from 2 submitters: Uncertain significance (2). Last evaluated 2018-10-31.

Conditions:
Deficiency of malonyl-CoA decarboxylase. Also called: Malonic aciduria; MCD deficiency. Identifiers: Orphanet 943, MedGen C0342793, MONDO:0009556, OMIM 248360.

Allele frequency attached by ClinVar (database versions not stated): TOPMed 0.00001.
gnomAD v4.1: 26 of 1,614,164 alleles (0.0016%); highest among the groups gnomAD compares: South Asian, 0.0022%; no homozygotes.

Submissions (2):

Fulgent Genetics
Classification: Uncertain significance for Deficiency of malonyl-CoA decarboxylase. Last evaluated: 2018-10-31. Review status: criteria provided, single submitter. Criteria: ACMG Guidelines, 2015. Collection method: clinical testing. Allele origin: unknown.

GeneDx
Classification: Uncertain significance. Last evaluated: 2018-05-29. Review status: criteria provided, single submitter. Criteria: GeneDx Variant Classification (06012015). Collection method: clinical testing. Allele origin: germline. Affected: yes.
Comment: The R310P variant has not been published as a pathogenic variant, nor has it been reported as a benign variant to our knowledge. The R310P variant is not observed at a significant frequency in large population cohorts (Lek et al., 2016; 1000 Genomes Consortium et al., 2015; Exome Variant Server). The R310P variant is a non-conservative amino acid substitution, which is likely to impact secondary protein structure as these residues differ in polarity, charge, size and/or other properties. This substitution occurs at a position where amino acids with similar properties to Arginine are tolerated across species. In silico analysis predicts this variant is probably damaging to the protein structure/function. In summary, based on the currently available information, it is unclear whether this variant is a pathogenic variant or a rare benign variant.

NM_012213.3(MLYCD):c.929G>C (p.Arg310Pro)

Genes: MLYCD (malonyl-CoA decarboxylase; plus strand), LOC126862422 (CDK7 strongly-dependent group 2 enhancer GRCh37_chr16:83945234-83946433; plus strand). Cytogenetic location: 16q23.3.
Variant type: single nucleotide variant.
Coding change: c.929G>C on transcript NM_012213.3 (MANE Select); coding-DNA position 929, G replaced by C.
Protein change: p.Arg310Pro; replaces arginine 310 with proline.
Molecular consequence: missense variant.
Genome position (GRCh38, 1-based): chr16:83,912,348, G>C. VCF-style: chr16-83912348-G-C. GRCh37 (hg19) VCF-style: chr16-83945953-G-C.
Other names: short protein forms R310P.
Identifiers: ClinVar variation 420574 (VCV000420574.3), dbSNP rs146465073, ClinGen allele CA8197432.